The following is an entry in ClinVar:

NM_001378477.3(NYX):c.139G>A (p.Gly47Ser)

Gene: NYX (nyctalopin; plus strand). Cytogenetic location: Xp11.4.
Variant type: single nucleotide variant.
Coding change: c.139G>A on transcript NM_001378477.3 (MANE Select); coding-DNA position 139, G replaced by A.
Protein change: p.Gly47Ser; replaces glycine 47 with serine.
Molecular consequence: missense variant.
Genome position (GRCh38, 1-based): chrX:41,473,607, G>A. VCF-style: chrX-41473607-G-A. GRCh37 (hg19) VCF-style: chrX-41332860-G-A.
Other names: c.139G>A, p.Gly47Ser (NM_022567.3); short protein forms G47S.
Identifiers: ClinVar variation 1348072 (VCV001348072.8), dbSNP rs1458478307, ClinGen allele CA412989485.

ClinVar aggregate classification (germline): Uncertain significance (1 of 4 stars; one submission).

Submission:

Labcorp Genetics (formerly Invitae), Labcorp
Classification: Uncertain significance. Last evaluated: 2021-04-23. Review status: criteria provided, single submitter. Criteria: Invitae Variant Classification Sherloc (09022015). Collection method: clinical testing. Allele origin: germline.
Comment: In summary, the available evidence is currently insufficient to determine the role of this variant in disease. Therefore, it has been classified as a Variant of Uncertain Significance. Algorithms developed to predict the effect of missense changes on protein structure and function are either unavailable or do not agree on the potential impact of this missense change (SIFT: "Tolerated"; PolyPhen-2: "Possibly Damaging"; Align-GVGD: "Class C0"). This variant has not been reported in the literature in individuals with NYX-related conditions. The frequency data for this variant in the population databases is considered unreliable, as metrics indicate insufficient coverage at this position in the ExAC database. This sequence change replaces glycine with serine at codon 52 of the NYX protein (p.Gly52Ser). The glycine residue is highly conserved and there is a small physicochemical difference between glycine and serine.